The following is an entry in ClinVar:

NM_020163.3(SEMA3G):c.906C>T (p.Ala302=)

Gene: SEMA3G (semaphorin 3G; minus strand). Cytogenetic location: 3p21.1.
Variant type: single nucleotide variant.
Coding change: c.906C>T on transcript NM_020163.3 (MANE Select); coding-DNA position 906, C replaced by T.
Protein change: p.Ala302=; no amino-acid change (alanine 302 retained).
Molecular consequence: synonymous variant.
Genome position (GRCh38, 1-based): chr3:52,440,956, G>A on the plus strand (C>T on the coding strand, the complement: SEMA3G is on the minus strand). VCF-style: chr3-52440956-G-A. GRCh37 (hg19) VCF-style: chr3-52474972-G-A.
Identifiers: ClinVar variation 3052808 (VCV003052808.2), dbSNP rs201709938, ClinGen allele CA2438156.

ClinVar aggregate classification (germline): Likely benign (0 of 4 stars; one submission).

Conditions:
SEMA3G-related disorder. Also called: SEMA3G-related condition.

Allele frequency attached by ClinVar (database versions not stated): TOPMed 0.00003.
gnomAD v4.1: 14 of 1,606,478 alleles (0.00087%); highest among the groups gnomAD compares: East Asian, 0.016%; no homozygotes.

Submission:

PreventionGenetics, part of Exact Sciences
Classification: Likely benign for SEMA3G-related condition. Last evaluated: 2023-10-31. Review status: no assertion criteria provided. Collection method: clinical testing. Allele origin: germline.
Comment: This variant is classified as likely benign based on ACMG/AMP sequence variant interpretation guidelines (Richards et al. 2015 PMID: 25741868, with internal and published modifications).